The following is an entry in ClinVar:

NM_001845.6(COL4A1):c.3635T>A (p.Met1212Lys)

Gene: COL4A1 (collagen type IV alpha 1 chain; minus strand). Cytogenetic location: 13q34.
Variant type: single nucleotide variant.
Coding change: c.3635T>A on transcript NM_001845.6 (MANE Select); coding-DNA position 3635, T replaced by A.
Protein change: p.Met1212Lys; replaces methionine 1212 with lysine.
Molecular consequence: missense variant.
Genome position (GRCh38, 1-based): chr13:110,170,654, A>T on the plus strand (T>A on the coding strand, the complement: COL4A1 is on the minus strand). VCF-style: chr13-110170654-A-T. GRCh37 (hg19) VCF-style: chr13-110823001-A-T.
Other names: c.3635T>A (NM_001845.4); short protein forms M1212K.
Identifiers: ClinVar variation 2046435 (VCV002046435.5), dbSNP rs965784572, ClinGen allele CA256251617.
Genomic context (GRCh38, chr13:110,170,654, plus strand): 5'-TCCGTGGCATGGCCTGGGGATCCCGGTAACCCCGGCTGTCCCTGGGGCCCCGGAGGACCC[A>T]TGAATCCTTGCTCTCCTTTGGATCCAGGAATTCCTGGGCTCCCGGCTAATCCTGGGAAAC-3'
Protein context (NP_001836.3, residues 1202-1222): IPGSKGEQGF[Met1212Lys]GPPGPQGQPG

ClinVar aggregate classification (germline): Uncertain significance. Review status: criteria provided, multiple submitters, no conflicts (2 of 4 stars). 2 submissions from 2 submitters: Uncertain significance (2). Last evaluated 2026-08-13.

Conditions:
Inborn genetic diseases. Identifiers: MedGen C0950123, MeSH D030342.

Allele frequency attached by ClinVar (database versions not stated): TOPMed below 0.00001; gnomAD 0.00002.

Submissions (2):

Ambry Genetics
Classification: Uncertain significance for Inborn genetic diseases. Last evaluated: 2026-08-13. Review status: criteria provided, single submitter. Criteria: Ambry Variant Classification Scheme 2023. Collection method: clinical testing. Allele origin: germline.

Labcorp Genetics (formerly Invitae), Labcorp
Classification: Uncertain significance. Last evaluated: 2022-07-15. Review status: criteria provided, single submitter. Criteria: Invitae Variant Classification Sherloc (09022015). Collection method: clinical testing. Allele origin: germline.
Comment: This sequence change replaces methionine, which is neutral and non-polar, with lysine, which is basic and polar, at codon 1212 of the COL4A1 protein (p.Met1212Lys). This variant is present in population databases (no rsID available, gnomAD 0.01%). This variant has not been reported in the literature in individuals affected with COL4A1-related conditions. Advanced modeling of protein sequence and biophysical properties (such as structural, functional, and spatial information, amino acid conservation, physicochemical variation, residue mobility, and thermodynamic stability) performed at Invitae indicates that this missense variant is not expected to disrupt COL4A1 protein function. In summary, the available evidence is currently insufficient to determine the role of this variant in disease. Therefore, it has been classified as a Variant of Uncertain Significance.